The following is an entry in ClinVar:

ClinVar aggregate classification (germline): Pathogenic/Likely pathogenic. Review status: criteria provided, multiple submitters, no conflicts (2 of 4 stars). 3 submissions from 3 submitters: Pathogenic (2); Likely pathogenic (1). Last evaluated 2023-03-16.

Conditions:
Hereditary cancer-predisposing syndrome. Also called: Hereditary neoplastic syndrome; Neoplastic Syndromes, Hereditary; Tumor predisposition; Hereditary Cancer Syndrome. Identifiers: Orphanet 140162, MedGen C0027672, MeSH D009386, MONDO:0015356.
Breast-ovarian cancer, familial, susceptibility to, 1 (BROVCA1). Also called: OVARIAN CANCER, SUSCEPTIBILITY TO; BRCA1 Hereditary Breast and Ovarian Cancer. Identifiers: Orphanet 145, MedGen C2676676, MONDO:0011450, OMIM 604370. Disease mechanism: loss of function.

Submissions (3):

Myriad Genetics, Inc.
Classification: Pathogenic for Breast-ovarian cancer, familial, susceptibility to, 1. Last evaluated: 2023-03-16. Review status: criteria provided, single submitter. Criteria: Myriad Autosomal Dominant, Autosomal Recessive and X-Linked Classification Criteria (2023). Collection method: clinical testing. Allele origin: unknown.
Comment: This variant is considered pathogenic. This variant creates a frameshift predicted to result in premature protein truncation.

Clinical Cancer Genomics Laboratory, City of Hope Comprehensive Cancer Center
Classification: Likely pathogenic for Breast-ovarian cancer, familial, susceptibility to, 1. Last evaluated: 2021-01-01. Review status: criteria provided, single submitter. Criteria: ACMG Guidelines, 2015. Collection method: clinical testing. Allele origin: germline. Affected: yes. Observed: 4 variant alleles.

Ambry Genetics
Classification: Pathogenic for Hereditary cancer-predisposing syndrome. Last evaluated: 2020-06-04. Review status: criteria provided, single submitter. Criteria: Ambry Variant Classification Scheme 2023. Collection method: clinical testing. Allele origin: germline.
Comment: The c.4645_4646dupGA pathogenic mutation, located in coding exon 13 of the BRCA1 gene, results from a duplication of GA at nucleotide position 4645, causing a translational frameshift with a predicted alternate stop codon (p.T1550Kfs*10). A different alteration resulting in the same frameshift (c.4647_4648dupAA) has been reported in one Peruvian family meeting criteria for hereditary breast cancer (Buleje J et al. Mol Genet Genomic Med, 2017 Sep;5:481-494). In addition to the clinical data presented in the literature, this alteration is expected to result in loss of function by premature protein truncation or nonsense-mediated mRNA decay. As such, this alteration is interpreted as a disease-causing mutation.

Literature cited by the submitters: PubMed 18694767 (cited by Ambry Genetics); PubMed 23635950 (cited by Ambry Genetics); PubMed 28944232 (cited by Ambry Genetics); PubMed 30584990 (cited by Ambry Genetics).

NM_007294.4(BRCA1):c.4645_4646dup (p.Thr1550fs)

Gene: BRCA1 (BRCA1 DNA repair associated; minus strand). Cytogenetic location: 17q21.31.
Variant type: Duplication.
Coding change: c.4645_4646dup on transcript NM_007294.4 (MANE Select); coding-DNA positions 4645 to 4646, 2 bases duplicated (GA; older notation c.4645_4646dupGA).
Protein change: p.Thr1550fs; shifts the reading frame from threonine 1550.
Molecular consequence: frameshift variant. On other transcripts: non-coding transcript variant (1).
Genome position (GRCh38, 1-based): chr17:43,074,360-43,074,361, TC duplicated on the plus strand (GA on the coding strand, the reverse complement: BRCA1 is on the minus strand). VCF-style (leftmost placement, unchanged base first): chr17-43074359-T-TTC. GRCh37 (hg19) VCF-style: chr17-41226376-T-TTC.
Other names: c.4432_4433dup, p.Thr1479Lysfs (NM_001407571.1, NM_001407894.1, NM_001407895.1 and 12 more transcripts); c.4711_4712dup, p.Thr1572Lysfs (NM_001407581.1, NM_001407582.1); c.4708_4709dup, p.Thr1571Lysfs (NM_001407583.1, NM_001407585.1, NM_001407587.1); c.4705_4706dup, p.Thr1570Lysfs (NM_001407590.1, NM_001407591.1); c.4645_4646dup, p.Thr1550Lysfs (NM_001407593.1, NM_001407594.1, NM_001407596.1 and 8 more transcripts); c.4642_4643dup, p.Thr1549Lysfs (NM_001407610.1, NM_001407611.1, NM_001407612.1 and 17 more transcripts); c.4639_4640dup, p.Thr1548Lysfs (NM_001407627.1, NM_001407628.1, NM_001407629.1 and 14 more transcripts); c.4636_4637dup, p.Thr1547Lysfs (NM_001407644.1, NM_001407645.1); and 73 more; short protein forms T1503fs, T1550fs, T1571fs, T446fs.
Identifiers: ClinVar variation 1174602 (VCV001174602.6), dbSNP rs2153992821, ClinGen allele CA2499224402.